The following is an entry in ClinVar:

ClinVar aggregate classification (germline): Uncertain significance (1 of 4 stars; one submission).

gnomAD v4.1: 2 of 1,600,834 alleles (0.00012%); highest among the groups gnomAD compares: Non-Finnish European, 0.00017%; no homozygotes.

Submission:

Ambry Genetics
Classification: Uncertain significance. Last evaluated: 2025-02-12. Review status: criteria provided, single submitter. Criteria: Ambry Variant Classification Scheme 2023. Collection method: clinical testing. Allele origin: germline.
Comment: The p.P1477S variant (also known as c.4429C>T), located in coding exon 19 of the WNK2 gene, results from a C to T substitution at nucleotide position 4429. The proline at codon 1477 is replaced by serine, an amino acid with similar properties. This amino acid position is conserved. In addition, this alteration is predicted to be tolerated by in silico analysis. Based on the available evidence, the clinical significance of this variant remains unclear.

NM_006648.4(WNK2):c.4429C>T (p.Pro1477Ser)

Gene: WNK2 (WNK lysine deficient protein kinase 2; plus strand). Cytogenetic location: 9q22.31.
Variant type: single nucleotide variant.
Coding change: c.4429C>T on transcript NM_006648.4 (MANE Select); coding-DNA position 4429, C replaced by T.
Protein change: p.Pro1477Ser; replaces proline 1477 with serine.
Molecular consequence: missense variant.
Genome position (GRCh38, 1-based): chr9:93,289,183, C>T. VCF-style: chr9-93289183-C-T. GRCh37 (hg19) VCF-style: chr9-96051465-C-T.
Other names: c.4540C>T, p.Pro1514Ser (NM_001282394.3); short protein forms P1514S, P1477S.
Identifiers: ClinVar variation 3817063 (VCV003817063.1).